The following is an entry in ClinVar:

NM_000098.3(CPT2):c.897G>C (p.Trp299Cys)

Gene: CPT2 (carnitine palmitoyltransferase 2; plus strand). Cytogenetic location: 1p32.3.
Variant type: single nucleotide variant.
Coding change: c.897G>C on transcript NM_000098.3 (MANE Select); coding-DNA position 897, G replaced by C.
Protein change: p.Trp299Cys; replaces tryptophan 299 with cysteine.
Molecular consequence: missense variant.
Genome position (GRCh38, 1-based): chr1:53,210,571, G>C. VCF-style: chr1-53210571-G-C. GRCh37 (hg19) VCF-style: chr1-53676243-G-C.
Other names: c.897G>C, p.Trp299Cys (NM_001330589.2); short protein forms W299C.
Identifiers: ClinVar variation 1369102 (VCV001369102.6), dbSNP rs1301349162, ClinGen allele CA340394072.

ClinVar aggregate classification (germline): Uncertain significance (1 of 4 stars; one submission).

Conditions:
Carnitine palmitoyltransferase II deficiency. Also called: Carnitine Palmitoyltransferase 2 Deficiency. Identifiers: Orphanet 157, MedGen C0342790, MONDO:0015515.

Allele frequency attached by ClinVar (database versions not stated): gnomAD exomes below 0.00001.
gnomAD v4.1: 2 of 1,614,068 alleles (0.00012%); highest among the groups gnomAD compares: Admixed American, 0.0033%; no homozygotes.

Submission:

Labcorp Genetics (formerly Invitae), Labcorp
Classification: Uncertain significance for Carnitine palmitoyltransferase II deficiency. Last evaluated: 2022-08-09. Review status: criteria provided, single submitter. Criteria: Invitae Variant Classification Sherloc (09022015). Collection method: clinical testing. Allele origin: germline.
Comment: This variant has not been reported in the literature in individuals affected with CPT2-related conditions. This sequence change replaces tryptophan, which is neutral and slightly polar, with cysteine, which is neutral and slightly polar, at codon 299 of the CPT2 protein (p.Trp299Cys). This variant is present in population databases (no rsID available, gnomAD 0.003%). ClinVar contains an entry for this variant (Variation ID: 1369102). Advanced modeling of protein sequence and biophysical properties (such as structural, functional, and spatial information, amino acid conservation, physicochemical variation, residue mobility, and thermodynamic stability) performed at Invitae indicates that this missense variant is expected to disrupt CPT2 protein function. In summary, the available evidence is currently insufficient to determine the role of this variant in disease. Therefore, it has been classified as a Variant of Uncertain Significance.